The following is an entry in ClinVar:

NM_016938.5(EFEMP2):c.316C>A (p.Pro106Thr)

Gene: EFEMP2 (EGF-like fibulin extracellular matrix protein 2; minus strand). Cytogenetic location: 11q13.1.
Variant type: single nucleotide variant.
Coding change: c.316C>A on transcript NM_016938.5 (MANE Select); coding-DNA position 316, C replaced by A.
Protein change: p.Pro106Thr; replaces proline 106 with threonine.
Molecular consequence: missense variant. On other transcripts: non-coding transcript variant (1).
Genome position (GRCh38, 1-based): chr11:65,871,208, G>T on the plus strand (C>A on the coding strand, the complement: EFEMP2 is on the minus strand). VCF-style: chr11-65871208-G-T. GRCh37 (hg19) VCF-style: chr11-65638679-G-T.
Other names: c.316C>A (NM_016938.4); short protein forms P106T.
Identifiers: ClinVar variation 2199629 (VCV002199629.5), dbSNP rs751149606, ClinGen allele CA6110717.
Genomic context (GRCh38, chr11:65,871,208, plus strand): 5'-CCCACTCACCCACACAGCTGTCCTGATCGTCGGGCTCATAGCCTGGTGGGCAGGGGTTGG[G>T]GTGTTGAGCGGGAGGCACTGGTGGCGGGGGTCCCTCGCCGTGTAGGTCGTTGATGACGGC-3'
Protein context (NP_058634.4, residues 96-116): PPPPVPPAQH[Pro106Thr]NPCPPGYEPD

ClinVar aggregate classification (germline): Uncertain significance. Review status: criteria provided, multiple submitters, no conflicts (2 of 4 stars). 2 submissions from 2 submitters: Uncertain significance (2). Last evaluated 2024-08-28.

Conditions:
Cutis laxa, autosomal recessive, type 1B (ARCL1B). Also called: CUTIS LAXA, AUTOSOMAL RECESSIVE, TYPE IB; EFEMP2-Related Cutis Laxa. Identifiers: Orphanet 90349, MedGen C3280798, MONDO:0013754, OMIM 614437. Disease mechanism: loss of function.
Cardiovascular phenotype. Identifiers: MedGen CN230736.

Allele frequency attached by ClinVar (database versions not stated): gnomAD 0.00002; gnomAD exomes 0.00003; ExAC 0.00004.

Submissions (2):

Ambry Genetics
Classification: Uncertain significance for Cardiovascular phenotype. Last evaluated: 2024-08-28. Review status: criteria provided, single submitter. Criteria: Ambry Variant Classification Scheme 2023. Collection method: clinical testing. Allele origin: germline.
Comment: The p.P106T variant (also known as c.316C>A), located in coding exon 3 of the EFEMP2 gene, results from a C to A substitution at nucleotide position 316. The proline at codon 106 is replaced by threonine, an amino acid with highly similar properties. This amino acid position is conserved. In addition, the in silico prediction for this alteration is inconclusive. Based on the available evidence, the clinical significance of this variant remains unclear.

Labcorp Genetics (formerly Invitae), Labcorp
Classification: Uncertain significance for Cutis laxa, autosomal recessive, type 1B. Last evaluated: 2022-05-25. Review status: criteria provided, single submitter. Criteria: Invitae Variant Classification Sherloc (09022015). Collection method: clinical testing. Allele origin: germline.
Comment: In summary, the available evidence is currently insufficient to determine the role of this variant in disease. Therefore, it has been classified as a Variant of Uncertain Significance. This sequence change replaces proline, which is neutral and non-polar, with threonine, which is neutral and polar, at codon 106 of the EFEMP2 protein (p.Pro106Thr). This variant is present in population databases (rs751149606, gnomAD 0.02%). This variant has not been reported in the literature in individuals affected with EFEMP2-related conditions. Algorithms developed to predict the effect of missense changes on protein structure and function are either unavailable or do not agree on the potential impact of this missense change (SIFT: "Deleterious"; PolyPhen-2: "Benign"; Align-GVGD: "Class C0").